The following is an entry in ClinVar:

ClinVar aggregate classification (germline): Conflicting classifications of pathogenicity. Review status: criteria provided, conflicting classifications (1 of 4 stars). 2 submissions from 2 submitters: Uncertain significance (1); Likely benign (1). Last evaluated 2025-07-03.

Conditions:
Alstrom syndrome (ALMS). Identifiers: Orphanet 64, MedGen C0268425, MONDO:0008763, OMIM 203800.
Cardiovascular phenotype. Identifiers: MedGen CN230736.

Submissions (2):

Ambry Genetics
Classification: Likely benign for Cardiovascular phenotype. Last evaluated: 2025-07-03. Review status: criteria provided, single submitter. Criteria: Ambry Variant Classification Scheme 2023. Collection method: clinical testing. Allele origin: germline.

Labcorp Genetics (formerly Invitae), Labcorp
Classification: Uncertain significance for Alstrom syndrome. Last evaluated: 2024-02-21. Review status: criteria provided, single submitter. Criteria: Invitae Variant Classification Sherloc (09022015). Collection method: clinical testing. Allele origin: germline.
Comment: This sequence change replaces phenylalanine, which is neutral and non-polar, with leucine, which is neutral and non-polar, at codon 3940 of the ALMS1 protein (p.Phe3940Leu). This variant is not present in population databases (gnomAD no frequency). This variant has not been reported in the literature in individuals affected with ALMS1-related conditions. Experimental studies and prediction algorithms are not available or were not evaluated, and the functional significance of this variant is currently unknown. In summary, the available evidence is currently insufficient to determine the role of this variant in disease. Therefore, it has been classified as a Variant of Uncertain Significance.

NM_001378454.1(ALMS1):c.11817T>G (p.Phe3939Leu)

Gene: ALMS1 (ALMS1 centrosome and basal body associated protein; plus strand). Cytogenetic location: 2p13.1.
Variant type: single nucleotide variant.
Coding change: c.11817T>G on transcript NM_001378454.1 (MANE Select); coding-DNA position 11817, T replaced by G.
Protein change: p.Phe3939Leu; replaces phenylalanine 3939 with leucine.
Molecular consequence: missense variant.
Genome position (GRCh38, 1-based): chr2:73,600,826, T>G. VCF-style: chr2-73600826-T-G. GRCh37 (hg19) VCF-style: chr2-73827953-T-G.
Other names: c.11820T>G, p.Phe3940Leu (NM_015120.4); short protein forms F3939L, F3940L.
Identifiers: ClinVar variation 3719990 (VCV003719990.3).
Genomic context (GRCh38, chr2:73,600,826, plus strand): 5'-GGAAGAGAACAGTGATGTGACTTCTTGGTCAGAAGAAAAACGTGAAGAGAAAATGCTCTT[T>G]ACCGGTTATCCTGAGGACAGAAAGTTAAAAAAGAACAAGAAGAATTCCCATGAAGGTCAG-3'
Protein context (NP_001365383.1, residues 3929-3949): SEEKREEKML[Phe3939Leu]TGYPEDRKLK